The following is an entry in ClinVar:

NM_004453.4(ETFDH):c.1270C>T (p.Gln424Ter)

Gene: ETFDH (electron transfer flavoprotein dehydrogenase; plus strand). Cytogenetic location: 4q32.1.
Variant type: single nucleotide variant.
Coding change: c.1270C>T on transcript NM_004453.4 (MANE Select); coding-DNA position 1270, C replaced by T.
Protein change: p.Gln424Ter; replaces glutamine 424 with a stop codon.
Molecular consequence: nonsense.
Genome position (GRCh38, 1-based): chr4:158,703,576, C>T. VCF-style: chr4-158703576-C-T. GRCh37 (hg19) VCF-style: chr4-159624728-C-T.
Other names: c.1129C>T, p.Gln377Ter (NM_001281737.2); c.1087C>T, p.Gln363Ter (NM_001281738.1); short protein forms Q377*, Q363*, Q424*.
Identifiers: ClinVar variation 2878890 (VCV002878890.3), dbSNP rs2476721648, ClinGen allele CA358563093.

ClinVar aggregate classification (germline): Pathogenic (1 of 4 stars; one submission).

Conditions:
Multiple acyl-CoA dehydrogenase deficiency (MADD). Also called: Glutaric aciduria, type 2; Glutaric acidemia type II; GA 2; ETHYLMALONIC-ADIPICACIDURIA; GA II; Glutaric Acidemia type 2. Identifiers: Orphanet 26791, MedGen C0268596, MONDO:0009282, OMIM 231680.

Submission:

Labcorp Genetics (formerly Invitae), Labcorp
Classification: Pathogenic for Multiple acyl-CoA dehydrogenase deficiency. Last evaluated: 2022-11-14. Review status: criteria provided, single submitter. Criteria: Invitae Variant Classification Sherloc (09022015). Collection method: clinical testing. Allele origin: germline.
Comment: For these reasons, this variant has been classified as Pathogenic. Algorithms developed to predict the effect of sequence changes on RNA splicing suggest that this variant may disrupt the consensus splice site. This variant has not been reported in the literature in individuals affected with ETFDH-related conditions. This variant is not present in population databases (gnomAD no frequency). This sequence change creates a premature translational stop signal (p.Gln424*) in the ETFDH gene. It is expected to result in an absent or disrupted protein product. Loss-of-function variants in ETFDH are known to be pathogenic (PMID: 16510302, 23785301).

Literature cited by the submitters: PubMed 16510302; PubMed 23785301.